The following is an entry in ClinVar:

NM_000512.5(GALNS):c.347G>T (p.Gly116Val)

Gene: GALNS (galactosamine (N-acetyl)-6-sulfatase; minus strand). Cytogenetic location: 16q24.3.
Variant type: single nucleotide variant.
Coding change: c.347G>T on transcript NM_000512.5 (MANE Select); coding-DNA position 347, G replaced by T.
Protein change: p.Gly116Val; replaces glycine 116 with valine.
Molecular consequence: missense variant. On other transcripts: 5 prime UTR variant (1).
Genome position (GRCh38, 1-based): chr16:88,841,067, C>A on the plus strand (G>T on the coding strand, the complement: GALNS is on the minus strand). VCF-style: chr16-88841067-C-A. GRCh37 (hg19) VCF-style: chr16-88907475-C-A.
Other names: c.-209G>T (NM_001323543.2); c.365G>T, p.Gly122Val (NM_001323544.2); short protein forms G116V, G122V.
Identifiers: ClinVar variation 1048273 (VCV001048273.9), dbSNP rs1966945369, ClinGen allele CA397088171.
Genomic context (GRCh38, chr16:88,841,067, plus strand): 5'-TTGCTGACGTAGCCGGCCTTCTTCAGAAGCTCCGGCAGGAGCTGCTCCGAGTCTGGGATG[C>A]CGCCCACAATCTCCTGCGGTGTGTAGGCTGGAAGAGCAGCGCTGGGTGAGCCCCGAGGAG-3'
Protein context (NP_000503.1, residues 106-126): NAYTPQEIVG[Gly116Val]IPDSEQLLPE

ClinVar aggregate classification (germline): Pathogenic/Likely pathogenic. Review status: criteria provided, multiple submitters, no conflicts (2 of 4 stars). 2 submissions from 2 submitters: Pathogenic (1); Likely pathogenic (1). Last evaluated 2023-04-10.

Conditions:
Mucopolysaccharidosis, MPS-IV-A (MPS4A). Also called: Mucopolysaccharidosis type IV A; Mucopolysaccharidosis Type IVA; Morquio syndrome A, mild; MORQUIO SYNDROME A; MPS IVA; mucopolysaccharidosis type 4A. Identifiers: Orphanet 309297, Orphanet 582, MedGen C0086651, MONDO:0009659, OMIM 253000.

Allele frequency attached by ClinVar (database versions not stated): gnomAD exomes below 0.00001.
gnomAD v4.1: 1 of 1,613,186 alleles (0.000062%); highest among the groups gnomAD compares: South Asian, 0.0011%; no homozygotes.

Submissions (2):

Labcorp Genetics (formerly Invitae), Labcorp
Classification: Pathogenic for Mucopolysaccharidosis, MPS-IV-A. Last evaluated: 2023-04-10. Review status: criteria provided, single submitter. Criteria: Invitae Variant Classification Sherloc (09022015). Collection method: clinical testing. Allele origin: germline.
Comment: For these reasons, this variant has been classified as Pathogenic. This variant disrupts the p.Gly116 amino acid residue in GALNS. Other variant(s) that disrupt this residue have been determined to be pathogenic (PMID: 15309681). This suggests that this residue is clinically significant, and that variants that disrupt this residue are likely to be disease-causing. Advanced modeling of protein sequence and biophysical properties (such as structural, functional, and spatial information, amino acid conservation, physicochemical variation, residue mobility, and thermodynamic stability) performed at Invitae indicates that this missense variant is expected to disrupt GALNS protein function. ClinVar contains an entry for this variant (Variation ID: 1048273). This missense change has been observed in individuals with mucopolysaccharidosis (PMID: 24726177). This variant is not present in population databases (gnomAD no frequency). This sequence change replaces glycine, which is neutral and non-polar, with valine, which is neutral and non-polar, at codon 116 of the GALNS protein (p.Gly116Val).

Laboratory of Diagnosis and Therapy of Lysosomal Disorders, University of Padova
Classification: Likely pathogenic for Mucopolysaccharidosis, MPS-IV-A. Last evaluated: 2021-02-01. Review status: criteria provided, single submitter. Criteria: ACMG Guidelines, 2015. Collection method: research. Allele origin: germline. Affected: yes.
Comment: In vivo functional studies supportive of a damaging effect on the gene product (low to null enzymatic activity in homozygotes; PS3_supporting); the prevalence of the variant in affected individuals is significantly increased compared with the prevalence in controls (PS4_moderate); absent from gnomAD v2.1.1 (PM2_moderate); multiple lines of computational evidence support a deleterious effect on the gene (PP3_supporting)

Literature cited by the submitters: PubMed 15309681 (cited by Labcorp Genetics (formerly Invitae), Labcorp); PubMed 24726177 (cited by Labcorp Genetics (formerly Invitae), Labcorp and Laboratory of Diagnosis and Therapy of Lysosomal Disorders, University of Padova); PubMed 30809705 (cited by Laboratory of Diagnosis and Therapy of Lysosomal Disorders, University of Padova); PubMed 34387910 (cited by Laboratory of Diagnosis and Therapy of Lysosomal Disorders, University of Padova).